The following is an entry in ClinVar:

NM_144997.7(FLCN):c.249+6T>C

Gene: FLCN (folliculin; minus strand). Cytogenetic location: 17p11.2.
Variant type: single nucleotide variant.
Coding change: c.249+6T>C on transcript NM_144997.7 (MANE Select); 6 bases into the intron after coding-DNA position 249, T replaced by C.
Molecular consequence: intron variant.
Genome position (GRCh38, 1-based): chr17:17,227,883, A>G on the plus strand (T>C on the coding strand, the complement: FLCN is on the minus strand). VCF-style: chr17-17227883-A-G. GRCh37 (hg19) VCF-style: chr17-17131197-A-G.
Other names: c.249+6T>C (NM_001353231.2, NM_001353230.2, NM_001353229.2 and 1 more transcripts).
Identifiers: ClinVar variation 2037770 (VCV002037770.4), dbSNP rs1301699767, ClinGen allele CA625314017.

ClinVar aggregate classification (germline): Uncertain significance (1 of 4 stars; one submission).

Conditions:
Birt-Hogg-Dube syndrome. Also called: Birt Hogg Dubé syndrome. Identifiers: Orphanet 122, MedGen C0346010, MONDO:0800444.

Submission:

Labcorp Genetics (formerly Invitae), Labcorp
Classification: Uncertain significance for Birt-Hogg-Dube syndrome. Last evaluated: 2021-12-08. Review status: criteria provided, single submitter. Criteria: Invitae Variant Classification Sherloc (09022015). Collection method: clinical testing. Allele origin: germline.
Comment: In summary, the available evidence is currently insufficient to determine the role of this variant in disease. Therefore, it has been classified as a Variant of Uncertain Significance. This variant is present in population databases (no rsID available, gnomAD 0.007%). This variant has not been reported in the literature in individuals affected with FLCN-related conditions. Variants that disrupt the consensus splice site are a relatively common cause of aberrant splicing (PMID: 17576681, 9536098). Algorithms developed to predict the effect of sequence changes on RNA splicing suggest that this variant is not likely to affect RNA splicing. This sequence change falls in intron 4 of the FLCN gene. It does not directly change the encoded amino acid sequence of the FLCN protein. It affects a nucleotide within the consensus splice site.

Literature cited by the submitters: PubMed 17576681; PubMed 9536098.